The following is an entry in ClinVar:

NC_000008.10:g.(?_43027433)_(43027549_?)del

Gene: HGSNAT (heparan-alpha-glucosaminide N-acetyltransferase; plus strand). Cytogenetic location: 8p11.21.
Variant type: Deletion.
Identifiers: ClinVar variation 3245536 (VCV003245536.1).

ClinVar aggregate classification (germline): Pathogenic (1 of 4 stars; one submission).

Conditions:
Retinitis pigmentosa 73 (RP73). Identifiers: Orphanet 791, MedGen C4225287, MONDO:0014687, OMIM 616544.
Mucopolysaccharidosis, MPS-III-C (MPS3C). Also called: SANFILIPPO SYNDROME C; MPS III C; mucopolysaccharidosis type 3C; MPS IIIC (Sanfilippo Syndrome Type C); MUCOPOLYSACCHARIDOSIS, TYPE IIIC; Mucopolysaccharidosis type IIIC (Sanfilippo C). Identifiers: Orphanet 581, Orphanet 79271, MedGen C0086649, MONDO:0009657, OMIM 252930.

Submission:

Labcorp Genetics (formerly Invitae), Labcorp
Classification: Pathogenic for Retinitis pigmentosa 73; Mucopolysaccharidosis, MPS-III-C. Last evaluated: 2024-01-09. Review status: criteria provided, single submitter. Criteria: Invitae Variant Classification Sherloc (09022015). Collection method: clinical testing. Allele origin: unknown.
Comment: This variant is a gross deletion of the genomic region encompassing exon(s) 8 of the HGSNAT gene. This deletion is out-of-frame, and is expected to create a premature termination codon and result in an absent or disrupted protein product. Loss-of-function variants in HGSNAT are known to be pathogenic (PMID: 17033958, 19479962). A similar copy number variant has been observed in individual(s) with intellectual disability (PMID: 28397838). For these reasons, this variant has been classified as Pathogenic.

Literature cited by the submitters: PubMed 17033958; PubMed 19479962; PubMed 28397838.